The following is an entry in ClinVar:

NM_001199107.2(TBC1D24):c.1561G>A (p.Asp521Asn)

Gene: TBC1D24 (TBC1 domain family member 24; plus strand). Cytogenetic location: 16p13.3.
Variant type: single nucleotide variant.
Coding change: c.1561G>A on transcript NM_001199107.2 (MANE Select); coding-DNA position 1561, G replaced by A.
Protein change: p.Asp521Asn; replaces aspartic acid 521 with asparagine.
Molecular consequence: missense variant.
Genome position (GRCh38, 1-based): chr16:2,500,839, G>A. VCF-style: chr16-2500839-G-A. GRCh37 (hg19) VCF-style: chr16-2550840-G-A.
Other names: c.1543G>A, p.Asp515Asn (NM_020705.3); short protein forms D521N, D515N.
Identifiers: ClinVar variation 955710 (VCV000955710.10), dbSNP rs2065787303, ClinGen allele CA394381570.

ClinVar aggregate classification (germline): Uncertain significance (1 of 4 stars; one submission).

Conditions:
Developmental and epileptic encephalopathy, 1 (DEE1). Also called: X-linked infantile spasms; West's syndrome; Tonic spasms with clustering, arrest of psychomotor development and hypsarrhythmia on EEG; X-Linked Infantile Spasm Syndrome; OHTAHARA SYNDROME, X-LINKED; Epileptic encephalopathy, early infantile, 1. Identifiers: MedGen C3463992, MONDO:0010632, OMIM 308350. Disease mechanism: loss of function.
Autosomal dominant nonsyndromic hearing loss 65. Also called: Deafness, autosomal dominant 65; TBC1D24-Related Autosomal Dominant Nonsyndromic Hearing Loss (DFNA). Identifiers: Orphanet 90635, MedGen C3892048, MONDO:0014470, OMIM 616044.

Submission:

Labcorp Genetics (formerly Invitae), Labcorp
Classification: Uncertain significance for Developmental and epileptic encephalopathy, 1; Autosomal dominant nonsyndromic hearing loss 65. Last evaluated: 2019-08-23. Review status: criteria provided, single submitter. Criteria: Invitae Variant Classification Sherloc (09022015). Collection method: clinical testing. Allele origin: germline.
Comment: Algorithms developed to predict the effect of missense changes on protein structure and function (SIFT, PolyPhen-2, Align-GVGD) all suggest that this variant is likely to be tolerated, but these predictions have not been confirmed by published functional studies and their clinical significance is uncertain. In summary, the available evidence is currently insufficient to determine the role of this variant in disease. Therefore, it has been classified as a Variant of Uncertain Significance. This variant has not been reported in the literature in individuals with TBC1D24-related conditions. This variant is not present in population databases (ExAC no frequency). This sequence change replaces aspartic acid with asparagine at codon 521 of the TBC1D24 protein (p.Asp521Asn). The aspartic acid residue is moderately conserved and there is a small physicochemical difference between aspartic acid and asparagine.